The following is an entry in ClinVar:

ClinVar aggregate classification (germline): Uncertain significance (1 of 4 stars; one submission).

Conditions:
Bethlem myopathy 1A. Also called: MYOPATHY, BENIGN CONGENITAL, WITH CONTRACTURES; Bethlem myopathy 1; Bethlem Muscular Dystrophy. Identifiers: Orphanet 610, MedGen CN029274, MONDO:0024530, OMIM 158810.

Submission:

Labcorp Genetics (formerly Invitae), Labcorp
Classification: Uncertain significance for Bethlem myopathy 1A. Last evaluated: 2023-07-07. Review status: criteria provided, single submitter. Criteria: Invitae Variant Classification Sherloc (09022015). Collection method: clinical testing. Allele origin: germline.
Comment: In summary, the available evidence is currently insufficient to determine the role of this variant in disease. Therefore, it has been classified as a Variant of Uncertain Significance. This variant is not present in population databases (gnomAD no frequency). This sequence change falls in intron 13 of the COL6A1 gene. It does not directly change the encoded amino acid sequence of the COL6A1 protein. This variant has not been reported in the literature in individuals affected with COL6A1-related conditions. Algorithms developed to predict the effect of sequence changes on RNA splicing suggest that this variant may disrupt the consensus splice site.

NM_001848.3(COL6A1):c.1002+42_1002+43insGACGGGGAGGGATGGGGTGGACAGTGTGAAGGTGACTGGGGGGAGATAGGATGGACGGGGAGGGACGAGGAGG

Gene: COL6A1 (collagen type VI alpha 1 chain; plus strand). Cytogenetic location: 21q22.3.
Variant type: Insertion.
Coding change: c.1002+42_1002+43insGACGGGGAGGGATGGGGTGGACAGTGTGAAGGTGACTGGGGGGAGATAGGATGGACGGGGAGGGACGAGGAGG on transcript NM_001848.3 (MANE Select); bases 42 to 43 of the intron after coding-DNA position 1002, GACGGGGAGGGATGGGGTGGACAGTGTGAAGGTGACTGGGGGGAGATAGGATGGACGGGGAGGGACGAGGAGG inserted.
Molecular consequence: splice donor variant.
Genome position: GRCh38: chr21:45,990,464-45,990,465. GRCh37 (hg19): chr21:47,410,378-47,410,379.
Identifiers: ClinVar variation 2695264 (VCV002695264.3), dbSNP rs2526323481, ClinGen allele CA2697547587.